The following is an entry in ClinVar:

NM_000142.5(FGFR3):c.1237A>G (p.Lys413Glu)

Gene: FGFR3 (fibroblast growth factor receptor 3; plus strand). Cytogenetic location: 4p16.3.
Variant type: single nucleotide variant.
Coding change: c.1237A>G on transcript NM_000142.5 (MANE Select); coding-DNA position 1237, A replaced by G.
Protein change: p.Lys413Glu; replaces lysine 413 with glutamic acid.
Molecular consequence: missense variant. On other transcripts: non-coding transcript variant (1), intron variant (1).
Genome position (GRCh38, 1-based): chr4:1,804,491, A>G. VCF-style: chr4-1804491-A-G. GRCh37 (hg19) VCF-style: chr4-1806218-A-G.
Other names: c.1243A>G, p.Lys415Glu (NM_001163213.2); c.1237A>G, p.Lys413Glu (NM_001354809.2, NM_001354810.2); c.931-333A>G (NM_022965.4); short protein forms K413E, K415E.
Identifiers: ClinVar variation 2721279 (VCV002721279.3), dbSNP rs375687485, ClinGen allele CA355979621.

ClinVar aggregate classification (germline): Uncertain significance (1 of 4 stars; one submission).

Allele frequency attached by ClinVar (database versions not stated): gnomAD 0.00001; TOPMed 0.00001.
gnomAD v4.1: 51 of 1,612,660 alleles (0.0032%); highest among the groups gnomAD compares: Non-Finnish European, 0.0042%; no homozygotes.

Submission:

Labcorp Genetics (formerly Invitae), Labcorp
Classification: Uncertain significance. Last evaluated: 2023-10-14. Review status: criteria provided, single submitter. Criteria: Invitae Variant Classification Sherloc (09022015). Collection method: clinical testing. Allele origin: germline.
Comment: This sequence change replaces lysine, which is basic and polar, with glutamic acid, which is acidic and polar, at codon 413 of the FGFR3 protein (p.Lys413Glu). This variant is not present in population databases (gnomAD no frequency). This variant has not been reported in the literature in individuals affected with FGFR3-related conditions. Advanced modeling of protein sequence and biophysical properties (such as structural, functional, and spatial information, amino acid conservation, physicochemical variation, residue mobility, and thermodynamic stability) has been performed at Invitae for this missense variant, however the output from this modeling did not meet the statistical confidence thresholds required to predict the impact of this variant on FGFR3 protein function. In summary, the available evidence is currently insufficient to determine the role of this variant in disease. Therefore, it has been classified as a Variant of Uncertain Significance.